The following is an entry in ClinVar:

ClinVar aggregate classification (germline): Conflicting classifications of pathogenicity. Review status: criteria provided, conflicting classifications (1 of 4 stars). 5 submissions from 5 submitters: Uncertain significance (4); Likely benign (1). Last evaluated 2025-12-22.

Conditions:
BARD1-related disorder. Also called: BARD1-related condition.
Hereditary cancer-predisposing syndrome. Also called: Hereditary Cancer Syndrome; Hereditary neoplastic syndrome; Neoplastic Syndromes, Hereditary; Tumor predisposition. Identifiers: Orphanet 140162, MedGen C0027672, MeSH D009386, MONDO:0015356.
Familial cancer of breast. Also called: BREAST CANCER, FAMILIAL; Hereditary breast cancer; hereditary breast carcinoma. Identifiers: Orphanet 227535, MedGen C0346153, MONDO:0016419, OMIM 114480. Disease mechanism: loss of function.

Allele frequency attached by ClinVar (database versions not stated): gnomAD 0.00001; TOPMed 0.00001.
gnomAD v4.1: 1 of 1,613,682 alleles (0.000062%); highest among the groups gnomAD compares: Non-Finnish European, 0.000085%; no homozygotes.

Submissions (5):

Labcorp Genetics (formerly Invitae), Labcorp
Classification: Uncertain significance for Familial cancer of breast. Last evaluated: 2025-12-22. Review status: criteria provided, single submitter. Criteria: Invitae Variant Classification Sherloc (09022015). Collection method: clinical testing. Allele origin: germline.
Comment: This sequence change replaces lysine, which is basic and polar, with asparagine, which is neutral and polar, at codon 311 of the BARD1 protein (p.Lys311Asn). This variant is not present in population databases (gnomAD no frequency). This variant has not been reported in the literature in individuals affected with BARD1-related conditions. ClinVar contains an entry for this variant (Variation ID: 406772). An algorithm developed to predict the effect of missense changes on protein structure and function (PolyPhen-2) suggests that this variant is likely to be tolerated. In summary, the available evidence is currently insufficient to determine the role of this variant in disease. Therefore, it has been classified as a Variant of Uncertain Significance.

Quest Diagnostics Nichols Institute San Juan Capistrano
Classification: Uncertain significance. Last evaluated: 2025-03-28. Review status: criteria provided, single submitter. Criteria: Quest Diagnostics criteria. Collection method: clinical testing. Allele origin: unknown.
Comment: The BARD1 c.933G>T (p.Lys311Asn) variant has not been reported in individuals with BARD1-related conditions in the published literature. The frequency of this variant in the general population (Genome Aggregation Database) is uninformative in the assessment of its pathogenicity. Analysis of this variant using bioinformatics tools for the prediction of the effect of amino acid changes on protein structure and function yielded predictions that this variant is benign. Based on the available information, we are unable to determine the clinical significance of this variant.

Ambry Genetics
Classification: Likely benign for Hereditary cancer-predisposing syndrome. Last evaluated: 2024-05-02. Review status: criteria provided, single submitter. Criteria: Ambry Variant Classification Scheme 2023. Collection method: clinical testing. Allele origin: germline.

Color Diagnostics, LLC DBA Color Health
Classification: Uncertain significance for Hereditary cancer-predisposing syndrome. Last evaluated: 2023-12-05. Review status: criteria provided, single submitter. Criteria: ACMG Guidelines, 2015. Collection method: clinical testing. Allele origin: germline.
Comment: This missense variant replaces lysine with asparagine at codon 311 of the BARD1 protein. Computational prediction suggests that this variant may not impact protein structure and function (internally defined REVEL score threshold <= 0.5, PMID: 27666373). To our knowledge, functional studies have not been reported for this variant. This variant has not been reported in individuals affected with BARD1-related disorders in the literature. This variant has not been identified in the general population by the Genome Aggregation Database (gnomAD). The available evidence is insufficient to determine the role of this variant in disease conclusively. Therefore, this variant is classified as a Variant of Uncertain Significance.

PreventionGenetics, part of Exact Sciences
Classification: Uncertain significance for BARD1-related condition. Last evaluated: 2023-02-16. Review status: criteria provided, single submitter. Criteria: ACMG Guidelines, 2015. Collection method: clinical testing. Allele origin: germline.
Comment: The BARD1 c.933G>T variant is predicted to result in the amino acid substitution p.Lys311Asn. To our knowledge, this variant has not been reported in the literature or in a large population database, indicating this variant is rare. In ClinVar, this variant is interpreted as uncertain. At this time, the clinical significance of this variant is uncertain due to the absence of conclusive functional and genetic evidence.

Literature cited by the submitters: PubMed 38153744 (cited by Quest Diagnostics Nichols Institute San Juan Capistrano); PubMed 36922933 (cited by Quest Diagnostics Nichols Institute San Juan Capistrano); PubMed 38789724 (cited by Quest Diagnostics Nichols Institute San Juan Capistrano).

NM_000465.4(BARD1):c.933G>T (p.Lys311Asn)

Gene: BARD1 (BRCA1 associated RING domain 1; minus strand). Cytogenetic location: 2q35.
Variant type: single nucleotide variant.
Coding change: c.933G>T on transcript NM_000465.4 (MANE Select); coding-DNA position 933, G replaced by T.
Protein change: p.Lys311Asn; replaces lysine 311 with asparagine.
Molecular consequence: missense variant. On other transcripts: non-coding transcript variant (2), intron variant (3).
Genome position (GRCh38, 1-based): chr2:214,780,941, C>A on the plus strand (G>T on the coding strand, the complement: BARD1 is on the minus strand). VCF-style: chr2-214780941-C-A. GRCh37 (hg19) VCF-style: chr2-215645665-C-A.
Other names: c.876G>T, p.Lys292Asn (NM_001282543.2); c.159-28386G>T (NM_001282548.2); c.215+16120G>T (NM_001282545.2); c.364+11356G>T (NM_001282549.2); short protein forms K311N, K292N.
Identifiers: ClinVar variation 406772 (VCV000406772.24), dbSNP rs1060501297, ClinGen allele CA16610744.